The following is an entry in ClinVar:

NM_004656.4(BAP1):c.28A>G (p.Ser10Gly)

Gene: BAP1 (BRCA1 associated deubiquitinase 1; minus strand). Cytogenetic location: 3p21.1.
Variant type: single nucleotide variant.
Coding change: c.28A>G on transcript NM_004656.4 (MANE Select); coding-DNA position 28, A replaced by G.
Protein change: p.Ser10Gly; replaces serine 10 with glycine.
Molecular consequence: missense variant.
Genome position (GRCh38, 1-based): chr3:52,409,851, T>C on the plus strand (A>G on the coding strand, the complement: BAP1 is on the minus strand). VCF-style: chr3-52409851-T-C. GRCh37 (hg19) VCF-style: chr3-52443867-T-C.
Other names: c.28A>G, p.Ser10Gly (NM_001410772.1); short protein forms S10G.
Identifiers: ClinVar variation 3377067 (VCV003377067.1).

ClinVar aggregate classification (germline): Likely pathogenic (1 of 4 stars; one submission).

Conditions:
Kury-Isidor syndrome (KURIS). Identifiers: MedGen C5676925, MONDO:0859230, OMIM 619762.

Submission:

Victorian Clinical Genetics Services, Murdoch Childrens Research Institute
Classification: Likely pathogenic for Kury-Isidor syndrome. Last evaluated: 2024-10-09. Review status: criteria provided, single submitter. Criteria: ACMG Guidelines, 2015. Collection method: clinical testing. Allele origin: germline. Inheritance: Autosomal dominant inheritance. Affected: yes.
Comment: Based on the classification scheme VCGS_Germline_v1.3.4, this variant is classified as Likely pathogenic. Following criteria are met: 0102 - Loss of function is a known mechanism of disease in this gene and is associated with tumour predisposition syndrome 1 (MIM#614327). Loss of function has also been reported for missense variants associated with Kury-Isidor syndrome (MIM#619762), however dominant negative has not been excluded (PMID: 35051358). (I) 0107 - This gene is associated with autosomal dominant disease. Only missense variants have been reported for Kury-Isidor, while all variant types have been reported for tumour predisposition syndrome (PMID: 38506155). (I) 0115 - Variants in this gene are known to have variable expressivity. Kury-Isidor syndrome is known to be widely variable (OMIM). (I) 0200 - Variant is predicted to result in a missense amino acid change from serine to glycine. (I) 0251 - This variant is heterozygous. (I) 0301 - Variant is absent from gnomAD (both v2 and v3). (SP) 0502 - Missense variant with conflicting in silico predictions and uninformative conservation. (I) 0603 - Missense variant in a region that is highly intolerant to missense variation (high constraint region in DECIPHER). (SP) 0705 - No comparable missense variants have previous evidence for pathogenicity. (I) 0807 - This variant has no previous evidence of pathogenicity. (I) 0905 - No published segregation evidence has been identified for this variant. (I) 1007 - No published functional evidence has been identified for this variant. (SP) Legend: (SP) - Supporting pathogenic, (I) - Information, (SB) - Supporting benign

Literature cited by the submitters: PubMed 35051358; PubMed 38506155.